The following is an entry in ClinVar:

ClinVar aggregate classification (germline): Uncertain significance. Review status: criteria provided, single submitter (1 of 4 stars). 2 submissions from 1 submitter: Uncertain significance (2).

Conditions:
Isolated neonatal sclerosing cholangitis (NSC). Also called: Sclerosing cholangitis, neonatal. Identifiers: Orphanet 480556, MedGen C4479344, MONDO:0018816, OMIM 617394.
Neonatal ichthyosis-sclerosing cholangitis syndrome (ILVASC). Also called: ICHTHYOSIS-SCLEROSING CHOLANGITIS SYNDROME; NISCH SYNDROME. Identifiers: Orphanet 59303, MedGen C1843355, MONDO:0011874, OMIM 607626.

Submissions (2):

Neuberg Centre For Genomic Medicine, NCGM
Classification: Uncertain significance for Isolated neonatal sclerosing cholangitis. Review status: criteria provided, single submitter. Criteria: ACMG Guidelines, 2015. Collection method: clinical testing. Allele origin: germline. Affected: yes.
Comment: The missense variant p.N24T in DCDC2 (NM_016356.5) has not been reported previously as a pathogenic variant nor as a benign variant, to our knowledge. The p.N24T variant is novel (not in any individuals) in gnomAD Exomes and is novel (not in any individuals) in 1000 Genomes. The p.N24T missense variant is predicted to be damaging by both SIFT and PolyPhen2. The asparagine residue at codon 24 of DCDC2 is conserved in all mammalian species. The nucleotide c.71 in DCDC2 is predicted conserved by GERP++ and PhyloP across 100 vertebrates. For these reasons, this variant has been classified as Uncertain Significance

Neuberg Centre For Genomic Medicine, NCGM
Classification: Uncertain significance for Neonatal ichthyosis-sclerosing cholangitis syndrome. Review status: criteria provided, single submitter. Criteria: ACMG Guidelines, 2015. Collection method: clinical testing. Allele origin: germline. Inheritance: Autosomal recessive inheritance. Affected: yes.

NM_016356.5(DCDC2):c.71A>C (p.Asn24Thr)

Genes: DCDC2 (doublecortin domain containing 2; minus strand), KAAG1 (kidney associated DCDC2 antisense RNA 1; plus strand). Cytogenetic location: 6p22.3.
Variant type: single nucleotide variant.
Coding change: c.71A>C on transcript NM_016356.5 (MANE Select); coding-DNA position 71, A replaced by C.
Protein change: p.Asn24Thr; replaces asparagine 24 with threonine.
Molecular consequence: missense variant.
Genome position (GRCh38, 1-based): chr6:24,357,680, T>G on the plus strand (A>C on the coding strand, the complement: DCDC2 is on the minus strand). VCF-style: chr6-24357680-T-G. GRCh37 (hg19) VCF-style: chr6-24357908-T-G.
Other names: c.71A>C, p.Asn24Thr (NM_001195610.2); short protein forms N24T.
Identifiers: ClinVar variation 1339152 (VCV001339152.2), dbSNP rs2127257711, ClinGen allele CA363279340.